The following is an entry in ClinVar:

ClinVar aggregate classification (germline): Pathogenic (1 of 4 stars; one submission).

Conditions:
Developmental and epileptic encephalopathy 94 (DEE94). Also called: CHD2-Related Neurodevelopmental Disorders; Epileptic encephalopathy, childhood-onset. Identifiers: Orphanet 1942, Orphanet 2382, MedGen C3809278, MONDO:0014150, OMIM 615369.

Submission:

Labcorp Genetics (formerly Invitae), Labcorp
Classification: Pathogenic for Developmental and epileptic encephalopathy 94. Last evaluated: 2021-06-28. Review status: criteria provided, single submitter. Criteria: Invitae Variant Classification Sherloc (09022015). Collection method: clinical testing. Allele origin: germline.
Comment: For these reasons, this variant has been classified as Pathogenic. This variant has not been reported in the literature in individuals affected with CHD2-related conditions. This variant is not present in population databases (ExAC no frequency). This sequence change creates a premature translational stop signal (p.Trp611*) in the CHD2 gene. It is expected to result in an absent or disrupted protein product. Loss-of-function variants in CHD2 are known to be pathogenic (PMID: 23708187, 24207121).

Literature cited by the submitters: PubMed 23708187; PubMed 24207121.

NM_001271.4(CHD2):c.1833G>A (p.Trp611Ter)

Gene: CHD2 (chromodomain helicase DNA binding protein 2; plus strand). Cytogenetic location: 15q26.1.
Variant type: single nucleotide variant.
Coding change: c.1833G>A on transcript NM_001271.4 (MANE Select); coding-DNA position 1833, G replaced by A.
Protein change: p.Trp611Ter; replaces tryptophan 611 with a stop codon.
Molecular consequence: nonsense.
Genome position (GRCh38, 1-based): chr15:92,956,482, G>A. VCF-style: chr15-92956482-G-A. GRCh37 (hg19) VCF-style: chr15-93499712-G-A.
Other names: short protein forms W611*.
Identifiers: ClinVar variation 1370712 (VCV001370712.6), dbSNP rs2141816525, ClinGen allele CA393906061.